The following is an entry in ClinVar:

ClinVar aggregate classification (germline): Conflicting classifications of pathogenicity. Review status: criteria provided, conflicting classifications (1 of 4 stars). 2 submissions from 2 submitters: Uncertain significance (1); Likely benign (1). Last evaluated 2025-05-18.

gnomAD v4.1: 1 of 1,595,866 alleles (0.000063%); highest among the groups gnomAD compares: African/African-American, 0.0013%; no homozygotes.

Submissions (2):

Ambry Genetics
Classification: Likely benign. Last evaluated: 2025-05-18. Review status: criteria provided, single submitter. Criteria: Ambry Variant Classification Scheme 2023. Collection method: clinical testing. Allele origin: germline.

Labcorp Genetics (formerly Invitae), Labcorp
Classification: Uncertain significance. Last evaluated: 2024-10-09. Review status: criteria provided, single submitter. Criteria: Invitae Variant Classification Sherloc (09022015). Collection method: clinical testing. Allele origin: germline.
Comment: This sequence change replaces proline, which is neutral and non-polar, with leucine, which is neutral and non-polar, at codon 587 of the RNF43 protein (p.Pro587Leu). This variant is present in population databases (rs571903323, gnomAD 0.007%). This variant has not been reported in the literature in individuals affected with RNF43-related conditions. An algorithm developed to predict the effect of missense changes on protein structure and function outputs the following: PolyPhen-2: "Benign". The leucine amino acid residue is found in multiple mammalian species, which suggests that this missense change does not adversely affect protein function. In summary, the available evidence is currently insufficient to determine the role of this variant in disease. Therefore, it has been classified as a Variant of Uncertain Significance.

NM_017763.6(RNF43):c.1760C>T (p.Pro587Leu)

Gene: RNF43 (ring finger protein 43; minus strand). Cytogenetic location: 17q22.
Variant type: single nucleotide variant.
Coding change: c.1760C>T on transcript NM_017763.6 (MANE Select); coding-DNA position 1760, C replaced by T.
Protein change: p.Pro587Leu; replaces proline 587 with leucine.
Molecular consequence: missense variant.
Genome position (GRCh38, 1-based): chr17:58,358,016, G>A on the plus strand (C>T on the coding strand, the complement: RNF43 is on the minus strand). VCF-style: chr17-58358016-G-A. GRCh37 (hg19) VCF-style: chr17-56435377-G-A.
Other names: c.1760C>T, p.Pro587Leu (NM_001305544.3); c.1379C>T, p.Pro460Leu (NM_001305545.2); short protein forms P460L, P587L.
Identifiers: ClinVar variation 3709033 (VCV003709033.3).